The following is an entry in ClinVar:

NM_007294.4(BRCA1):c.1938_1947del (p.Ser646fs)

Gene: BRCA1 (BRCA1 DNA repair associated; minus strand). Cytogenetic location: 17q21.31.
Variant type: Deletion.
Coding change: c.1938_1947del on transcript NM_007294.4 (MANE Select); coding-DNA positions 1938 to 1947, 10 bases deleted (CAGTGAAGAG; older notation c.1938_1947delCAGTGAAGAG).
Protein change: p.Ser646fs; shifts the reading frame from serine 646.
Molecular consequence: frameshift variant. On other transcripts: intron variant (137).
Genome position (GRCh38, 1-based): chr17:43,093,584-43,093,593, CTCTTCACTG deleted on the plus strand (CAGTGAAGAG on the coding strand, the reverse complement: BRCA1 is on the minus strand); deleting any 10 consecutive bases within chr17:43,093,584-43,093,595 gives the same sequence; the c. name uses the placement nearest the transcript's 3' end. VCF-style (leftmost placement, unchanged base first): chr17-43093583-TCTCTTCACTG-T. GRCh37 (hg19) VCF-style: chr17-41245600-TCTCTTCACTG-T.
Other names: 2057del10; c.1938_1947delCAGTGAAGAG (NM_007294.3); c.1794_1803del, p.Ser598fs (NM_001407838.1, NM_001407839.1, NM_001407841.1 and 20 more transcripts); c.1797_1806del, p.Ser599fs (NM_001407850.1, NM_001407851.1, NM_001407852.1 and 29 more transcripts); c.1725_1734del, p.Ser575fs (NM_001407853.1, NM_001407894.1, NM_001407895.1 and 9 more transcripts); c.1938_1947del, p.Ser646fs (NM_001407854.1, NM_001407858.1, NM_001407859.1 and 30 more transcripts); c.1935_1944del, p.Ser645fs (NM_001407860.1, NM_001407861.1, NM_001407587.1 and 22 more transcripts); c.1737_1746del, p.Ser579fs (NM_001407862.1); and 42 more; short protein forms S599fs, S646fs, S518fs, S519fs, S575fs, S576fs, S598fs, S604fs.
Identifiers: ClinVar variation 54406 (VCV000054406.14), dbSNP rs397508920, ClinGen allele CA001282.

ClinVar aggregate classification (germline): Pathogenic. Review status: reviewed by expert panel (3 of 4 stars). 7 submissions from 7 submitters: Pathogenic (1). 6 of the submissions do not count toward it. Last evaluated 2016-10-18.

Conditions:
Breast-ovarian cancer, familial, susceptibility to, 1 (BROVCA1). Also called: OVARIAN CANCER, SUSCEPTIBILITY TO; BRCA1 Hereditary Breast and Ovarian Cancer. Identifiers: Orphanet 145, MedGen C2676676, MONDO:0011450, OMIM 604370. Disease mechanism: loss of function.
Pancreatic cancer, susceptibility to, 4. Identifiers: Orphanet 1333, MedGen C3280442, MONDO:0013685, OMIM 614320.
Fanconi anemia, complementation group S (FANCS). Identifiers: MedGen C4554406, MONDO:0054748, OMIM 617883.
Hereditary cancer-predisposing syndrome. Also called: Tumor predisposition; Neoplastic Syndromes, Hereditary; Hereditary Cancer Syndrome; Hereditary neoplastic syndrome. Identifiers: Orphanet 140162, MedGen C0027672, MeSH D009386, MONDO:0015356.
Hereditary breast ovarian cancer syndrome. Also called: Hereditary breast and ovarian cancer syndrome (HBOC); Hereditary breast and ovarian cancer syndrome; Hereditary breast and ovarian cancer; Hereditary breast and/or ovarian cancer syndrome; Breast and ovarian cancer; BRCA1- and BRCA2-Associated Hereditary Breast and Ovarian Cancer. Identifiers: Orphanet 145, MedGen C0677776, MeSH D061325, MONDO:0003582. Disease mechanism: loss of function.

Submissions (7):

Evidence-based Network for the Interpretation of Germline Mutant Alleles (ENIGMA)
Classification: Pathogenic for Breast-ovarian cancer, familial, susceptibility to, 1. Last evaluated: 2016-10-18. Review status: reviewed by expert panel. Criteria: ENIGMA BRCA1/2 Classification Criteria (2015). Collection method: curation. Allele origin: germline.
Comment: Variant allele predicted to encode a truncated non-functional protein.

Fulgent Genetics
Classification: Pathogenic for Breast-ovarian cancer, familial, susceptibility to, 1; Pancreatic cancer, susceptibility to, 4; Fanconi anemia, complementation group S. Last evaluated: 2024-01-04. Review status: criteria provided, single submitter. Criteria: ACMG Guidelines, 2015. Collection method: clinical testing. Allele origin: germline. Not counted in ClinVar's aggregate classification.

Labcorp Genetics (formerly Invitae), Labcorp
Classification: Pathogenic for Hereditary breast ovarian cancer syndrome. Last evaluated: 2023-02-16. Review status: criteria provided, single submitter. Criteria: Invitae Variant Classification Sherloc (09022015). Collection method: clinical testing. Allele origin: germline. Not counted in ClinVar's aggregate classification.
Comment: This sequence change creates a premature translational stop signal (p.Ser646Argfs*2) in the BRCA1 gene. It is expected to result in an absent or disrupted protein product. Loss-of-function variants in BRCA1 are known to be pathogenic (PMID: 20104584). This variant is not present in population databases (gnomAD no frequency). This premature translational stop signal has been observed in individual(s) with BRCA1-related conditions (PMID: 32599251). ClinVar contains an entry for this variant (Variation ID: 54406). For these reasons, this variant has been classified as Pathogenic.

Ambry Genetics
Classification: Pathogenic for Hereditary cancer-predisposing syndrome. Last evaluated: 2018-05-25. Review status: criteria provided, single submitter. Criteria: Ambry Variant Classification Scheme 2023. Collection method: clinical testing. Allele origin: germline. Not counted in ClinVar's aggregate classification.
Comment: The c.1938_1947delCAGTGAAGAG pathogenic mutation, located in coding exon 9 of the BRCA1 gene, results from a deletion of 10 nucleotides at nucleotide positions 1938 to 1947, causing a translational frameshift with a predicted alternate stop codon (p.S646Rfs*2). This pathogenic mutation has been reported in multiple families from Slovakia diagnosed with HBOC syndrome (Ciernikov&aacute; S et al. Neoplasma. 2003;50:403-7; Konecny M et al. Breast Cancer Res. Treat. 2011 Feb;126:119-30). Of note, this pathogenic mutation may be referred to as 2057dellCAGTGAAGAG in some literature. In addition to the clinical data presented in the literature, this alteration is expected to result in loss of function by premature protein truncation or nonsense-mediated mRNA decay. As such, this alteration is interpreted as a disease-causing mutation.

Women's Health and Genetics/Laboratory Corporation of America, LabCorp
Classification: Pathogenic for Hereditary breast and ovarian cancer syndrome. Last evaluated: 2017-11-24. Review status: criteria provided, single submitter. Criteria: LabCorp Variant Classification Summary - May 2015. Collection method: clinical testing. Allele origin: germline. Not counted in ClinVar's aggregate classification.
Comment: Variant summary: The BRCA1 c.1938_1947delCAGTGAAGAG (p.Ser646ArgfsX2) variant results in a premature termination codon, predicted to cause a truncated or absent BRCA1 protein due to nonsense mediated decay, which are commonly known mechanisms for disease. Truncations downstream of this position have been classified as pathogenic by our laboratory (e.g.c.2019delA/p.Glu673fsX28, c.2035A>T/p.Lys679X). This variant has been reported in at least 2 Slovak HBOC families and is absent from 276832 control chromosomes. In addition, multiple clinical diagnostic laboratories/reputable databases classified this variant as pathogenic. Taken together, this variant is classified as pathogenic.

Consortium of Investigators of Modifiers of BRCA1/2 (CIMBA), c/o University of Cambridge
Classification: Pathogenic for Breast-ovarian cancer, familial, susceptibility to, 1. Last evaluated: 2015-10-02. Review status: criteria provided, single submitter. Criteria: CIMBA Mutation Classification guidelines May 2016. Collection method: clinical testing. Allele origin: germline. Not counted in ClinVar's aggregate classification.

Research Molecular Genetics Laboratory, Women's College Hospital, University of Toronto
Classification: Pathogenic for Hereditary breast ovarian cancer syndrome. Last evaluated: 2014-01-31. Review status: no assertion criteria provided. Collection method: research. Allele origin: germline. Affected: yes. Study: The Canadian Open Genetics Repository (COGR). Not counted in ClinVar's aggregate classification.

Literature cited by the submitters: PubMed 20104584 (cited by Labcorp Genetics (formerly Invitae), Labcorp); PubMed 32599251 (cited by Labcorp Genetics (formerly Invitae), Labcorp); PubMed 14689060 (cited by Ambry Genetics); PubMed 21203900 (cited by Ambry Genetics).